The following is an entry in ClinVar:

ClinVar aggregate classification (germline): Uncertain significance. Review status: criteria provided, multiple submitters, no conflicts (2 of 4 stars). 3 submissions from 3 submitters: Uncertain significance (3). Last evaluated 2024-02-27.

Allele frequency attached by ClinVar (database versions not stated): TOPMed 0.00001.
gnomAD v4.1: 50 of 1,267,928 alleles (0.0039%); highest among the groups gnomAD compares: Non-Finnish European, 0.0047%; no homozygotes.

Submissions (3):

GeneDx
Classification: Uncertain significance. Last evaluated: 2024-02-27. Review status: criteria provided, single submitter. Criteria: GeneDx Variant Classification Process June 2021. Collection method: clinical testing. Allele origin: germline. Affected: yes.
Comment: Not observed at significant frequency in large population cohorts (gnomAD); In silico analysis supports that this missense variant does not alter protein structure/function; Has not been previously published as pathogenic or benign to our knowledge; Variants in candidate genes are classified as variants of uncertain significance in accordance with ACMG guidelines (PMID: 25741868)

Ambry Genetics
Classification: Uncertain significance. Last evaluated: 2023-05-24. Review status: criteria provided, single submitter. Criteria: Ambry Variant Classification Scheme 2023. Collection method: clinical testing. Allele origin: germline.

Labcorp Genetics (formerly Invitae), Labcorp
Classification: Uncertain significance. Last evaluated: 2022-09-23. Review status: criteria provided, single submitter. Criteria: Invitae Variant Classification Sherloc (09022015). Collection method: clinical testing. Allele origin: germline.
Comment: This sequence change replaces glycine, which is neutral and non-polar, with arginine, which is basic and polar, at codon 898 of the CACNA1B protein (p.Gly898Arg). The frequency data for this variant in the population databases is considered unreliable, as metrics indicate insufficient coverage at this position in the gnomAD database. This variant has not been reported in the literature in individuals affected with CACNA1B-related conditions. Algorithms developed to predict the effect of missense changes on protein structure and function are either unavailable or do not agree on the potential impact of this missense change (SIFT: "Deleterious"; PolyPhen-2: "Benign"; Align-GVGD: "Class C0"). In summary, the available evidence is currently insufficient to determine the role of this variant in disease. Therefore, it has been classified as a Variant of Uncertain Significance.

NM_000718.4(CACNA1B):c.2692G>A (p.Gly898Arg)

Gene: CACNA1B (calcium voltage-gated channel subunit alpha1 B; plus strand). Cytogenetic location: 9q34.3.
Variant type: single nucleotide variant.
Coding change: c.2692G>A on transcript NM_000718.4 (MANE Select); coding-DNA position 2692, G replaced by A.
Protein change: p.Gly898Arg; replaces glycine 898 with arginine.
Molecular consequence: missense variant.
Genome position (GRCh38, 1-based): chr9:138,023,435, G>A. VCF-style: chr9-138023435-G-A. GRCh37 (hg19) VCF-style: chr9-140917887-G-A.
Other names: c.2692G>A, p.Gly898Arg (NM_001243812.2); c.2692G>A (NM_000718.3); short protein forms G898R.
Identifiers: ClinVar variation 2085556 (VCV002085556.4), dbSNP rs1238690052, ClinGen allele CA375809934.